The following is an entry in ClinVar:

NM_003183.6(ADAM17):c.2105A>G (p.Tyr702Cys)

Genes: ADAM17 (ADAM metallopeptidase domain 17; minus strand), IAH1 (isoamyl acetate hydrolyzing esterase 1 (putative); plus strand). Cytogenetic location: 2p25.1.
Variant type: single nucleotide variant.
Coding change: c.2105A>G on transcript NM_003183.6 (MANE Select); coding-DNA position 2105, A replaced by G.
Protein change: p.Tyr702Cys; replaces tyrosine 702 with cysteine.
Molecular consequence: missense variant.
Genome position (GRCh38, 1-based): chr2:9,491,129, T>C on the plus strand (A>G on the coding strand, the complement: ADAM17 is on the minus strand). VCF-style: chr2-9491129-T-C. GRCh37 (hg19) VCF-style: chr2-9631258-T-C.
Other names: c.1445A>G, p.Tyr482Cys (NM_001382777.1); c.1208A>G, p.Tyr403Cys (NM_001382778.1); c.2105A>G (NM_003183.4); short protein forms Y482C, Y403C, Y702C.
Identifiers: ClinVar variation 1446762 (VCV001446762.7), dbSNP rs1662107386, ClinGen allele CA345794946.
Genomic context (GRCh38, chr2:9,491,129, plus strand): 5'-AAGATTATGTTTCTTTCATATGGTATACTTACACTGGGGTGAAACAGAGACAGAGATTCA[T>C]ACTGTTTATCCAATTTCTTATCCTAGAAAGAAACAGCAAGAAGGTCATTCCCTACAAATA-3'
Protein context (NP_003174.3, residues 692-712): HCVDKKLDKQ[Tyr702Cys]ESLSLFHPSN

ClinVar aggregate classification (germline): Uncertain significance. Review status: criteria provided, multiple submitters, no conflicts (2 of 4 stars). 2 submissions from 2 submitters: Uncertain significance (2). Last evaluated 2022-11-08.

Conditions:
Inflammatory skin and bowel disease, neonatal, 1. Identifiers: Orphanet 294023, MedGen C3280501, MONDO:0013693, OMIM 614328.
Inborn genetic diseases. Identifiers: MedGen C0950123, MeSH D030342.

Allele frequency attached by ClinVar (database versions not stated): gnomAD exomes below 0.00001; TOPMed below 0.00001; gnomAD 0.00001.
gnomAD v4.1: 2 of 1,613,184 alleles (0.00012%); highest among the groups gnomAD compares: Admixed American, 0.0033%; no homozygotes.

Submissions (2):

Ambry Genetics
Classification: Uncertain significance for Inborn genetic diseases. Last evaluated: 2022-11-08. Review status: criteria provided, single submitter. Criteria: Ambry Variant Classification Scheme 2023. Collection method: clinical testing. Allele origin: germline.

Labcorp Genetics (formerly Invitae), Labcorp
Classification: Uncertain significance for Inflammatory skin and bowel disease, neonatal, 1. Last evaluated: 2021-03-28. Review status: criteria provided, single submitter. Criteria: Invitae Variant Classification Sherloc (09022015). Collection method: clinical testing. Allele origin: germline.
Comment: In summary, the available evidence is currently insufficient to determine the role of this variant in disease. Therefore, it has been classified as a Variant of Uncertain Significance. Algorithms developed to predict the effect of missense changes on protein structure and function are either unavailable or do not agree on the potential impact of this missense change (SIFT: "Not Available"; PolyPhen-2: "Possibly Damaging"; Align-GVGD: "Not Available"). This variant has not been reported in the literature in individuals with ADAM17-related conditions. This variant is not present in population databases (ExAC no frequency). This sequence change replaces tyrosine with cysteine at codon 702 of the ADAM17 protein (p.Tyr702Cys). The tyrosine residue is moderately conserved and there is a large physicochemical difference between tyrosine and cysteine.